The following is an entry in ClinVar:

ClinVar aggregate classification (germline): Benign (0 of 4 stars; one submission).

Conditions:
ARHGAP32-related disorder. Also called: ARHGAP32-related condition.

Allele frequency attached by ClinVar (database versions not stated): gnomAD exomes 0.15598; ExAC 0.17841; ESP Exome Variant Server 0.18706; gnomAD 0.19023; 1000 Genomes Project 0.19948; TOPMed 0.20036; 1000 Genomes Project 30x 0.20409.
gnomAD v4.1: 257,019 of 1,613,742 alleles (16%); highest among the groups gnomAD compares: African/African-American, 28%; 21,726 homozygotes.

Submission:

PreventionGenetics, part of Exact Sciences
Classification: Benign for ARHGAP32-related condition. Last evaluated: 2019-10-22. Review status: no assertion criteria provided. Collection method: clinical testing. Allele origin: germline.
Comment: This variant is classified as benign based on ACMG/AMP sequence variant interpretation guidelines (Richards et al. 2015 PMID: 25741868, with internal and published modifications).

NM_001378024.1(ARHGAP32):c.3528A>G (p.Glu1176=)

Gene: ARHGAP32 (Rho GTPase activating protein 32; minus strand). Cytogenetic location: 11q24.3.
Variant type: single nucleotide variant.
Coding change: c.3528A>G on transcript NM_001378024.1 (MANE Select); coding-DNA position 3528, A replaced by G.
Protein change: p.Glu1176=; no amino-acid change (glutamic acid 1176 retained).
Molecular consequence: synonymous variant.
Genome position (GRCh38, 1-based): chr11:128,972,978, T>C on the plus strand (A>G on the coding strand, the complement: ARHGAP32 is on the minus strand). VCF-style: chr11-128972978-T-C. GRCh37 (hg19) VCF-style: chr11-128842873-T-C.
Other names: c.3486A>G, p.Glu1162= (NM_001142685.2); c.3366A>G, p.Glu1122= (NM_001378025.1); c.2439A>G, p.Glu813= (NM_014715.4).
Identifiers: ClinVar variation 3060336 (VCV003060336.2), dbSNP rs581258, ClinGen allele CA6358753.